The following is an entry in ClinVar:

NM_005138.3(SCO2):c.719A>G (p.Tyr240Cys)

Genes: NCAPH2 (non-SMC condensin II complex subunit H2; plus strand), SCO2 (synthesis of cytochrome C oxidase 2; minus strand). Cytogenetic location: 22q13.33.
Variant type: single nucleotide variant.
Coding change: c.719A>G on transcript NM_005138.3 (MANE Select); coding-DNA position 719, A replaced by G.
Protein change: p.Tyr240Cys; replaces tyrosine 240 with cysteine.
Molecular consequence: missense variant. On other transcripts: 3 prime UTR variant (2).
Genome position (GRCh38, 1-based): chr22:50,523,693, T>C on the plus strand (A>G on the coding strand, the complement: SCO2 is on the minus strand). VCF-style: chr22-50523693-T-C. GRCh37 (hg19) VCF-style: chr22-50962122-T-C.
Other names: c.*318T>C (NM_001185011.2, NM_152299.4); c.719A>G, p.Tyr240Cys (NM_001169109.2, NM_001169110.1, NM_001169111.2); short protein forms Y240C.
Identifiers: ClinVar variation 3378333 (VCV003378333.1).

ClinVar aggregate classification (germline): Uncertain significance (1 of 4 stars; one submission).

gnomAD v4.1: 17 of 1,614,056 alleles (0.0011%); highest among the groups gnomAD compares: Non-Finnish European, 0.0014%; no homozygotes.

Submission:

GeneDx
Classification: Uncertain significance. Last evaluated: 2024-05-13. Review status: criteria provided, single submitter. Criteria: GeneDx Variant Classification Process June 2021. Collection method: clinical testing. Allele origin: germline. Affected: yes.
Comment: In silico analysis supports that this missense variant has a deleterious effect on protein structure/function; Has not been previously published as pathogenic or benign to our knowledge